The following is an entry in ClinVar:

NM_014727.3(KMT2B):c.5342T>C (p.Leu1781Pro)

Gene: KMT2B (lysine methyltransferase 2B; plus strand). Cytogenetic location: 19q13.12.
Variant type: single nucleotide variant.
Coding change: c.5342T>C on transcript NM_014727.3 (MANE Select); coding-DNA position 5342, T replaced by C.
Protein change: p.Leu1781Pro; replaces leucine 1781 with proline.
Molecular consequence: missense variant.
Genome position (GRCh38, 1-based): chr19:35,730,772, T>C. VCF-style: chr19-35730772-T-C. GRCh37 (hg19) VCF-style: chr19-36221673-T-C.
Other names: NM_014727.2:n.5342T>C(p.Leu1781Pro); short protein forms L1781P.
Identifiers: ClinVar variation 549496 (VCV000549496.3), dbSNP rs1555732094, ClinGen allele CA405421635.

ClinVar aggregate classification (germline): Conflicting classifications of pathogenicity. Review status: criteria provided, conflicting classifications (1 of 4 stars). 3 submissions from 3 submitters: Likely pathogenic (1); Uncertain significance (2). Last evaluated 2023-12-09.

Conditions:
Dystonia 28, childhood-onset (DYT28). Also called: KMT2B-Related Dystonia (DYT-KMT2B). Identifiers: Orphanet 589618, MedGen C4310633, MONDO:0015004, OMIM 617284.

Submissions (3):

3billion
Classification: Uncertain significance for Dystonia 28, childhood-onset. Last evaluated: 2023-12-09. Review status: criteria provided, single submitter. Criteria: ACMG Guidelines, 2015. Collection method: clinical testing. Allele origin: germline. Affected: yes.
Comment: The variant is not observed in the gnomAD v2.1.1 dataset. Predicted Consequence/Location: Missense changes are a common disease-causing mechanism. In silico tool predictions suggest damaging effect of the variant on gene or gene product [REVEL: 0.67 (>=0.6, sensitivity 0.68 and specificity 0.92); 3Cnet: 0.65 (>=0.6, sensitivity 0.72 and precision 0.9)]. Same nucleotide change resulting in same amino acid change has been previously reported to be associated with KMT2B related disorder (PMID: 27992417). However, the evidence of pathogenicity is insufficient at this time. Therefore, this variant is classified as VUS according to the recommendation of ACMG/AMP guideline.

SIB Swiss Institute of Bioinformatics
Classification: Uncertain significance for Dystonia 28, childhood-onset. Last evaluated: 2018-04-16. Review status: criteria provided, single submitter. Criteria: ACMG Guidelines, 2015. Collection method: curation. Allele origin: germline.
Comment: This variant is interpreted as a Uncertain Significance, for Dystonia 28, childhood-onset, Autosomal Dominant inheritance. The following ACMG Tag(s) were applied: PM2 => Absent from controls (or at extremely low frequency if recessive) in Exome Sequencing Project, 1000 Genomes Project, or Exome Aggregation Consortium. PP3 => Multiple lines of computational evidence support a deleterious effect on the gene or gene product. PM6 => Assumed de novo, but without confirmation of paternity and maternity (PMID:27992417).

Clinical Biomedical Laboratory, Shriners Hospital For Children - Canada
Classification: Likely pathogenic for Dystonia 28, childhood-onset. Review status: criteria provided, single submitter. Criteria: ACMG Guidelines, 2015. Collection method: clinical testing. Allele origin: germline. Affected: yes.
Comment: This variant is predicted to substitute a leucine residue by a proline residue in KMT2B. This variant is very rare in gnomAD v2.1.1. Computational tools (REVEL: 0.67) suggest that the amino acid change is damaging to protein function. The gene is associated with dystonia 28, which is in accordance with the clinical diagnosis of the proband. This variant has been submitted to ClinVar as variant of uncertain significance by two submitters (Variation ID 549496) but has been reported as a cause of early-onset dystonia (PMID 27992417). Based on the ACMG variant interpretation guidelines (criteria PM2, PP3, PP2, PM6), the available evidence supports classification of this variant as likely pathogenic.

Literature cited by the submitters: PubMed 27992417 (cited by 3billion and SIB Swiss Institute of Bioinformatics).